The following is an entry in ClinVar:

ClinVar aggregate classification (germline): Uncertain significance (1 of 4 stars; one submission).

Conditions:
Catecholaminergic polymorphic ventricular tachycardia 1. Also called: VENTRICULAR TACHYCARDIA, CATECHOLAMINERGIC POLYMORPHIC, 1, WITH OR WITHOUT ATRIAL DYSFUNCTION AND/OR DILATED CARDIOMYOPATHY; RYR2-Related Catecholaminergic Polymorphic Ventricular Tachycardia; VENTRICULAR TACHYCARDIA, STRESS-INDUCED POLYMORPHIC 1. Identifiers: Orphanet 3286, MedGen C1631597, MONDO:0011484, OMIM 604772.

Submission:

Labcorp Genetics (formerly Invitae), Labcorp
Classification: Uncertain significance for Catecholaminergic polymorphic ventricular tachycardia 1. Last evaluated: 2025-10-01. Review status: criteria provided, single submitter. Criteria: Invitae Variant Classification Sherloc (09022015). Collection method: clinical testing. Allele origin: germline.
Comment: This sequence change creates a premature translational stop signal (p.Lys4056*) in the RYR2 gene. It is expected to result in an absent or disrupted protein product. However, the current clinical and genetic evidence is not sufficient to establish whether loss-of-function variants in RYR2 cause disease. This variant is not present in population databases (gnomAD no frequency). This variant has not been reported in the literature in individuals affected with RYR2-related conditions. In summary, the available evidence is currently insufficient to determine the role of this variant in disease. Therefore, it has been classified as a Variant of Uncertain Significance.

NM_001035.3(RYR2):c.12165dup (p.Lys4056Ter)

Gene: RYR2 (ryanodine receptor 2; plus strand). Cytogenetic location: 1q43.
Variant type: Duplication.
Coding change: c.12165dup on transcript NM_001035.3 (MANE Select); coding-DNA position 12165, one base duplicated (T; older notation c.12165dupT).
Protein change: p.Lys4056Ter; replaces lysine 4056 with a stop codon.
Molecular consequence: nonsense.
Genome position (GRCh38, 1-based): chr1:237,783,877, T duplicated. VCF-style (leftmost placement, unchanged base first): chr1-237783876-A-AT. GRCh37 (hg19) VCF-style: chr1-237947176-A-AT.
Other names: short protein forms K4056*.
Identifiers: ClinVar variation 4728245 (VCV004728245.1).